The following is an entry in ClinVar:

NM_020937.4(FANCM):c.4796A>G (p.Glu1599Gly)

Gene: FANCM (FA complementation group M; plus strand). Cytogenetic location: 14q21.2.
Variant type: single nucleotide variant.
Coding change: c.4796A>G on transcript NM_020937.4 (MANE Select); coding-DNA position 4796, A replaced by G.
Protein change: p.Glu1599Gly; replaces glutamic acid 1599 with glycine.
Molecular consequence: missense variant.
Genome position (GRCh38, 1-based): chr14:45,188,818, A>G. VCF-style: chr14-45188818-A-G. GRCh37 (hg19) VCF-style: chr14-45658021-A-G.
Other names: c.4718A>G, p.Glu1573Gly (NM_001308133.2); short protein forms E1573G, E1599G.
Identifiers: ClinVar variation 4619563 (VCV004619563.1).

ClinVar aggregate classification (germline): Uncertain significance (1 of 4 stars; one submission).

Conditions:
Inborn genetic diseases. Identifiers: MedGen C0950123, MeSH D030342.

Submission:

Ambry Genetics
Classification: Uncertain significance for Inborn genetic diseases. Last evaluated: 2025-11-05. Review status: criteria provided, single submitter. Criteria: Ambry Variant Classification Scheme 2023. Collection method: clinical testing. Allele origin: germline.
Comment: The p.E1599G variant (also known as c.4796A>G), located in coding exon 20 of the FANCM gene, results from an A to G substitution at nucleotide position 4796. The glutamic acid at codon 1599 is replaced by glycine, an amino acid with similar properties. This amino acid position is conserved. In addition, the in silico prediction for this alteration is inconclusive. Based on the available evidence, the clinical significance of this variant remains unclear.